The following is an entry in ClinVar:

NM_007294.4(BRCA1):c.2139_2144del (p.Asn714_Thr715del)

Gene: BRCA1 (BRCA1 DNA repair associated; minus strand). Cytogenetic location: 17q21.31.
Variant type: Deletion.
Coding change: c.2139_2144del on transcript NM_007294.4 (MANE Select); coding-DNA positions 2139 to 2144, 6 bases deleted (AAATAC; older notation c.2139_2144delAAATAC).
Protein change: p.Asn714_Thr715del.
Molecular consequence: inframe deletion. On other transcripts: inframe indel (1), intron variant (137).
Genome position (GRCh38, 1-based): chr17:43,093,387-43,093,392, GTATTT deleted on the plus strand (AAATAC on the coding strand, the reverse complement: BRCA1 is on the minus strand); deleting any 6 consecutive bases within chr17:43,093,387-43,093,393 gives the same sequence; the c. name uses the placement nearest the transcript's 3' end. VCF-style (leftmost placement, unchanged base first): chr17-43093386-GGTATTT-G. GRCh37 (hg19) VCF-style: chr17-41245403-GGTATTT-G.
Other names: c.2139_2144delAAATAC (NM_007294.3); c.2061_2066del, p.Asn688_Thr689del (NM_001407655.1, NM_001407656.1, NM_001407657.1 and 4 more transcripts); c.2058_2063del, p.Asn687_Thr688del (NM_001407659.1, NM_001407660.1, NM_001407661.1 and 1 more transcripts); c.2016_2021del, p.Asn673_Thr674del (NM_001407664.1, NM_001407665.1, NM_001407666.1 and 19 more transcripts); c.2013_2018del, p.Asn672_Thr673del (NM_001407670.1, NM_001407671.1, NM_001407672.1 and 11 more transcripts); c.2139_2144del, p.Asn714_Thr715del (NM_001407684.1, NM_001407854.1, NM_001407858.1 and 30 more transcripts); c.1998_2003del, p.Asn667_Thr668del (NM_001407692.1, NM_001407694.1, NM_001407695.1 and 29 more transcripts); c.1995_2000del, p.Asn666_Thr667del (NM_001407740.1, NM_001407741.1, NM_001407742.1 and 20 more transcripts); and 42 more.
Identifiers: ClinVar variation 1786509 (VCV001786509.7), dbSNP rs2552193050, ClinGen allele CA2580094080.

ClinVar aggregate classification (germline): Uncertain significance. Review status: criteria provided, multiple submitters, no conflicts (2 of 4 stars). 2 submissions from 2 submitters: Uncertain significance (2). Last evaluated 2022-01-26.

Conditions:
Hereditary cancer-predisposing syndrome. Also called: Neoplastic Syndromes, Hereditary; Tumor predisposition; Hereditary Cancer Syndrome; Hereditary neoplastic syndrome. Identifiers: Orphanet 140162, MedGen C0027672, MeSH D009386, MONDO:0015356.
Hereditary breast ovarian cancer syndrome. Also called: Hereditary breast and ovarian cancer; Hereditary breast and ovarian cancer syndrome (HBOC); Hereditary breast and ovarian cancer syndrome; Breast and ovarian cancer; Hereditary breast and/or ovarian cancer syndrome; BRCA1- and BRCA2-Associated Hereditary Breast and Ovarian Cancer. Identifiers: Orphanet 145, MedGen C0677776, MeSH D061325, MONDO:0003582. Disease mechanism: loss of function.

Submissions (2):

Labcorp Genetics (formerly Invitae), Labcorp
Classification: Uncertain significance for Hereditary breast ovarian cancer syndrome. Last evaluated: 2022-01-26. Review status: criteria provided, single submitter. Criteria: Invitae Variant Classification Sherloc (09022015). Collection method: clinical testing. Allele origin: germline.
Comment: In summary, the available evidence is currently insufficient to determine the role of this variant in disease. Therefore, it has been classified as a Variant of Uncertain Significance. Experimental studies and prediction algorithms are not available or were not evaluated, and the functional significance of this variant is currently unknown. This variant has not been reported in the literature in individuals affected with BRCA1-related conditions. This variant is not present in population databases (gnomAD no frequency). This variant, c.2139_2144del, results in the deletion of 2 amino acid(s) of the BRCA1 protein (p.Asn714_Thr715del), but otherwise preserves the integrity of the reading frame.

Ambry Genetics
Classification: Uncertain significance for Hereditary cancer-predisposing syndrome. Last evaluated: 2021-12-23. Review status: criteria provided, single submitter. Criteria: Ambry Variant Classification Scheme 2023. Collection method: clinical testing. Allele origin: germline.
Comment: The c.2139_2144delAAATAC variant (also known as p.N714_T715del) is located in coding exon 9 of the BRCA1 gene. This variant results from an in-frame AAATAC deletion at nucleotide positions 2139 to 2144. This results in the in-frame deletion of asparagine and threonine at codons 714 and 715. This amino acid region is poorly conserved in available vertebrate species. In addition, this alteration is predicted to be deleterious by in silico analysis (Choi Y et al. PLoS ONE. 2012; 7(10):e46688). Since supporting evidence is limited at this time, the clinical significance of this alteration remains unclear.